The following is an entry in ClinVar:

NM_007294.4(BRCA1):c.5047G>T (p.Glu1683Ter)

Gene: BRCA1 (BRCA1 DNA repair associated; minus strand). Cytogenetic location: 17q21.31.
Variant type: single nucleotide variant.
Coding change: c.5047G>T on transcript NM_007294.4 (MANE Select); coding-DNA position 5047, G replaced by T.
Protein change: p.Glu1683Ter; replaces glutamic acid 1683 with a stop codon.
Molecular consequence: nonsense. On other transcripts: non-coding transcript variant (1).
Genome position (GRCh38, 1-based): chr17:43,067,635, C>A on the plus strand (G>T on the coding strand, the complement: BRCA1 is on the minus strand). VCF-style: chr17-43067635-C-A. GRCh37 (hg19) VCF-style: chr17-41219652-C-A.
Other names: c.5041G>T, p.Glu1681Ter (NM_001407633.1, NM_001407634.1, NM_001407635.1 and 14 more transcripts); c.4840G>T, p.Glu1614Ter (NM_001407875.1, NM_001407874.1); c.4837G>T, p.Glu1613Ter (NM_001407879.1, NM_001407881.1, NM_001407882.1 and 5 more transcripts); c.4834G>T, p.Glu1612Ter (NM_001407894.1, NM_001407907.1, NM_001407908.1 and 12 more transcripts); c.4780G>T, p.Glu1594Ter (NM_001407930.1, NM_001407931.1, NM_001407932.1 and 4 more transcripts); c.4777G>T, p.Glu1593Ter (NM_001407934.1, NM_001407935.1, NM_001407936.1); c.4924G>T, p.Glu1642Ter (NM_001407937.1, NM_001407938.1, NM_001407664.1 and 6 more transcripts); c.4921G>T, p.Glu1641Ter (NM_001407939.1, NM_001407674.1, NM_001407675.1 and 11 more transcripts); and 70 more; short protein forms E1683*, E1704*, E579*, E1636*, E1555*, E1593*, E1595*, E1635*.
Identifiers: ClinVar variation 55363 (VCV000055363.7), dbSNP rs80356879, ClinGen allele CA003173.
Genomic context (GRCh38, chr17:43,067,635, plus strand): 5'-ATGCAAGGTATTCTGTAAAGGTTCTTGGTATACCTGTTTTCATAACAACATGAGTAGTCT[C>A]TTCAGTAATTAGATTAGTTAAAGTGATGTGGTGTTTTCTGGCAAACTTGTACACGAGCAT-3'

ClinVar aggregate classification (germline): Pathogenic. Review status: reviewed by expert panel (3 of 4 stars). 5 submissions from 5 submitters: Pathogenic (1). 4 of the submissions do not count toward it. Last evaluated 2016-09-08.

Conditions:
Breast-ovarian cancer, familial, susceptibility to, 1 (BROVCA1). Also called: BRCA1 Hereditary Breast and Ovarian Cancer; OVARIAN CANCER, SUSCEPTIBILITY TO. Identifiers: Orphanet 145, MedGen C2676676, MONDO:0011450, OMIM 604370. Disease mechanism: loss of function.
Hereditary breast ovarian cancer syndrome. Also called: BRCA1- and BRCA2-Associated Hereditary Breast and Ovarian Cancer; Hereditary breast and ovarian cancer syndrome; Hereditary breast and ovarian cancer syndrome (HBOC); Breast and ovarian cancer; Hereditary breast and/or ovarian cancer syndrome; Hereditary breast and ovarian cancer. Identifiers: Orphanet 145, MedGen C0677776, MeSH D061325, MONDO:0003582. Disease mechanism: loss of function.

Submissions (6):

Evidence-based Network for the Interpretation of Germline Mutant Alleles (ENIGMA)
Classification: Pathogenic for Breast-ovarian cancer, familial, susceptibility to, 1. Last evaluated: 2016-09-08. Review status: reviewed by expert panel. Criteria: ENIGMA BRCA1/2 Classification Criteria (2015). Collection method: curation. Allele origin: germline.
Comment: Variant allele predicted to encode a truncated non-functional protein.

Department of Medical Genetics, Oslo University Hospital
Classification: Pathogenic for Breast-ovarian cancer, familial, susceptibility to, 1. Last evaluated: 2016-07-29. Review status: criteria provided, single submitter. Criteria: ACMG Guidelines, 2015. Collection method: clinical testing. Allele origin: germline. Affected: yes. Observed: 39 variant alleles. Not counted in ClinVar's aggregate classification.

Consortium of Investigators of Modifiers of BRCA1/2 (CIMBA), c/o University of Cambridge
Classification: Pathogenic for Breast-ovarian cancer, familial, susceptibility to, 1. Last evaluated: 2015-10-02. Review status: criteria provided, single submitter. Criteria: CIMBA Mutation Classification guidelines May 2016. Collection method: clinical testing. Allele origin: germline. Not counted in ClinVar's aggregate classification.

Research Molecular Genetics Laboratory, Women's College Hospital, University of Toronto
Classification: Pathogenic for Hereditary breast ovarian cancer syndrome. Last evaluated: 2014-01-31. Review status: no assertion criteria provided. Collection method: research. Allele origin: germline. Affected: yes. Study: The Canadian Open Genetics Repository (COGR). Not counted in ClinVar's aggregate classification.

Breast Cancer Information Core (BIC) (BRCA1)
Classification: Pathogenic for Breast-ovarian cancer, familial 1. Last evaluated: 1998-11-30. Review status: no assertion criteria provided. Collection method: clinical testing. Allele origin: germline. Affected: yes. Observed: 1 variant allele. Not counted in ClinVar's aggregate classification.

Brotman Baty Institute, University of Washington
No classification provided (evidence only). Condition: Breast-ovarian cancer, familial 1. Review status: no classification provided. Collection method: in vitro. Allele origin: not applicable. Functional consequence: functionally_abnormal. Not counted in ClinVar's aggregate classification.
ClinVar note: "not provided" was previously submitted as the classification for the variant. However, the classification appeared to be based only on an observation of functional data so it was converted to no classification on 2025-07-30.